The following is an entry in ClinVar:

ClinVar aggregate classification (germline): Likely benign. Review status: criteria provided, single submitter (1 of 4 stars). 2 submissions from 2 submitters: Likely benign (1). 1 of the submissions does not count toward it. Last evaluated 2024-04-05.

Conditions:
TMPRSS3-related disorder. Also called: TMPRSS3-related condition.

Allele frequency attached by ClinVar (database versions not stated): TOPMed 0.00001; gnomAD exomes 0.00003; gnomAD 0.00004; ExAC 0.00005; 1000 Genomes Project 30x 0.00016; 1000 Genomes Project 0.00020.
gnomAD v4.1: 51 of 1,613,972 alleles (0.0032%); highest among the groups gnomAD compares: Non-Finnish European, 0.0016%; no homozygotes.

Submissions (2):

Labcorp Genetics (formerly Invitae), Labcorp
Classification: Likely benign. Last evaluated: 2024-04-05. Review status: criteria provided, single submitter. Criteria: Invitae Variant Classification Sherloc (09022015). Collection method: clinical testing. Allele origin: germline.

PreventionGenetics, part of Exact Sciences
Classification: Likely benign for TMPRSS3-related condition. Last evaluated: 2020-02-24. Review status: no assertion criteria provided. Collection method: clinical testing. Allele origin: germline. Not counted in ClinVar's aggregate classification.
Comment: This variant is classified as likely benign based on ACMG/AMP sequence variant interpretation guidelines (Richards et al. 2015 PMID: 25741868, with internal and published modifications).

NM_001256317.3(TMPRSS3):c.1038A>T (p.Thr346=)

Gene: TMPRSS3 (transmembrane serine protease 3; minus strand). Cytogenetic location: 21q22.3.
Variant type: single nucleotide variant.
Coding change: c.1038A>T on transcript NM_001256317.3 (MANE Select); coding-DNA position 1038, A replaced by T.
Protein change: p.Thr346=; no amino-acid change (threonine 346 retained).
Molecular consequence: synonymous variant.
Genome position (GRCh38, 1-based): chr21:42,380,127, T>A on the plus strand (A>T on the coding strand, the complement: TMPRSS3 is on the minus strand). VCF-style: chr21-42380127-T-A. GRCh37 (hg19) VCF-style: chr21-43800236-T-A.
Other names: c.1038A>T, p.Thr346= (NM_024022.4); c.657A>T, p.Thr219= (NM_032404.3).
Identifiers: ClinVar variation 3001785 (VCV003001785.5), dbSNP rs200554019, ClinGen allele CA10042370.
Genomic context (GRCh38, chr21:42,380,127, plus strand): 5'-CTCTGGGTTCTGAGCCCCTGGACTCCGAATCTTGGCTTCAGCCCACTGACCTCCATCCTC[T>A]GTGGCCCCCCATCCTGACGTCCAGCACACTTTTCCATCGGGGAAGTTCTCTTCAGAGTTG-3'
Protein context (NP_001243246.1, residues 336-356): KVCWTSGWGA[Thr346=]EDGGDASPVL